The following is an entry in ClinVar:

ClinVar aggregate classification (germline): Uncertain significance (1 of 4 stars; one submission).

Conditions:
Chuvash polycythemia. Also called: POLYCYTHEMIA, VHL-DEPENDENT. Identifiers: Orphanet 238557, MedGen C1837915, MONDO:0009892, OMIM 263400.
Von Hippel-Lindau syndrome (VHLS). Also called: Von Hippel-Lindau; von Hippel–Lindau syndrome; VHL syndrome. Identifiers: Orphanet 892, MedGen C0019562, MONDO:0008667, OMIM 193300. Disease mechanism: loss of function.

Submission:

Labcorp Genetics (formerly Invitae), Labcorp
Classification: Uncertain significance for Von Hippel-Lindau syndrome; Chuvash polycythemia. Last evaluated: 2022-08-29. Review status: criteria provided, single submitter. Criteria: Invitae Variant Classification Sherloc (09022015). Collection method: clinical testing. Allele origin: germline.
Comment: Advanced modeling of protein sequence and biophysical properties (such as structural, functional, and spatial information, amino acid conservation, physicochemical variation, residue mobility, and thermodynamic stability) performed at Invitae indicates that this missense variant is expected to disrupt VHL protein function. In summary, the available evidence is currently insufficient to determine the role of this variant in disease. Therefore, it has been classified as a Variant of Uncertain Significance. ClinVar contains an entry for this variant (Variation ID: 1446619). This variant has not been reported in the literature in individuals affected with VHL-related conditions. This variant is not present in population databases (gnomAD no frequency). This sequence change replaces aspartic acid, which is acidic and polar, with histidine, which is basic and polar, at codon 179 of the VHL protein (p.Asp179His).

NM_000551.4(VHL):c.535G>C (p.Asp179His)

Genes: VHL (von Hippel-Lindau tumor suppressor; plus strand), LOC107303340 (3p25 von Hippel-Lindau tumor suppressor, E3 ubiquitin protein ligase Alu-mediated recombination region; plus strand). Cytogenetic location: 3p25.3.
Variant type: single nucleotide variant.
Coding change: c.535G>C on transcript NM_000551.4 (MANE Select); coding-DNA position 535, G replaced by C.
Protein change: p.Asp179His; replaces aspartic acid 179 with histidine.
Molecular consequence: missense variant. On other transcripts: 3 prime UTR variant (1).
Genome position (GRCh38, 1-based): chr3:10,149,858, G>C. VCF-style: chr3-10149858-G-C. GRCh37 (hg19) VCF-style: chr3-10191542-G-C.
Other names: c.*89G>C (NM_001354723.2); c.412G>C, p.Asp138His (NM_198156.3); short protein forms D179H, D138H.
Identifiers: ClinVar variation 1446619 (VCV001446619.8), dbSNP rs767780451, ClinGen allele CA351756252.